The following is an entry in ClinVar:

ClinVar aggregate classification (germline): Uncertain significance (1 of 4 stars; one submission).

Conditions:
Combined immunodeficiency due to LRBA deficiency. Also called: Common variable immunodeficiency 8, with autoimmunity. Identifiers: Orphanet 445018, MedGen C3553512, MONDO:0013863, OMIM 614700.

Allele frequency attached by ClinVar (database versions not stated): gnomAD exomes 0.00002.
gnomAD v4.1: 13 of 1,613,594 alleles (0.00081%); highest among the groups gnomAD compares: Non-Finnish European, 0.0011%; no homozygotes.

Submission:

Labcorp Genetics (formerly Invitae), Labcorp
Classification: Uncertain significance for Common variable immunodeficiency 8, with autoimmunity. Last evaluated: 2019-11-21. Review status: criteria provided, single submitter. Criteria: Invitae Variant Classification Sherloc (09022015). Collection method: clinical testing. Allele origin: germline.
Comment: This sequence change replaces histidine with glutamine at codon 448 of the LRBA protein (p.His448Gln). The histidine residue is moderately conserved and there is a small physicochemical difference between histidine and glutamine. This variant is not present in population databases (ExAC no frequency). This variant has not been reported in the literature in individuals with LRBA-related conditions. Algorithms developed to predict the effect of missense changes on protein structure and function are either unavailable or do not agree on the potential impact of this missense change (SIFT: "Tolerated"; PolyPhen-2: "Probably Damaging"; Align-GVGD: "Class C0"). Algorithms developed to predict the effect of sequence changes on RNA splicing suggest that this variant may create or strengthen a splice site, but this prediction has not been confirmed by published transcriptional studies. In summary, the available evidence is currently insufficient to determine the role of this variant in disease. Therefore, it has been classified as a Variant of Uncertain Significance.

NM_001364905.1(LRBA):c.1344T>G (p.His448Gln)

Gene: LRBA (LPS responsive beige-like anchor protein; minus strand). Cytogenetic location: 4q31.3.
Variant type: single nucleotide variant.
Coding change: c.1344T>G on transcript NM_001364905.1 (MANE Select); coding-DNA position 1344, T replaced by G.
Protein change: p.His448Gln; replaces histidine 448 with glutamine.
Molecular consequence: missense variant.
Genome position (GRCh38, 1-based): chr4:150,908,675, A>C on the plus strand (T>G on the coding strand, the complement: LRBA is on the minus strand). VCF-style: chr4-150908675-A-C. GRCh37 (hg19) VCF-style: chr4-151829827-A-C.
Other names: c.1344T>G, p.His448Gln (NM_006726.5, NM_001199282.3, NM_001367550.1); short protein forms H448Q.
Identifiers: ClinVar variation 851635 (VCV000851635.1), dbSNP rs1731613312, ClinGen allele CA358433475.